The following is an entry in ClinVar:

NM_001370785.2(LRRC7):c.2712C>T (p.Pro904=)

Genes: LRRC7 (leucine rich repeat containing 7; plus strand), LRRC7-AS1 (LRRC7 antisense RNA 1; minus strand). Cytogenetic location: 1p31.1.
Variant type: single nucleotide variant.
Coding change: c.2712C>T on transcript NM_001370785.2 (MANE Select); coding-DNA position 2712, C replaced by T.
Protein change: p.Pro904=; no amino-acid change (proline 904 retained).
Molecular consequence: synonymous variant. On other transcripts: non-coding transcript variant (1).
Genome position (GRCh38, 1-based): chr1:70,038,536, C>T. VCF-style: chr1-70038536-C-T. GRCh37 (hg19) VCF-style: chr1-70504219-C-T.
Other names: c.2613C>T, p.Pro871= (NM_001330635.3, NM_001366841.1); c.2715C>T, p.Pro905= (NM_001350216.3); c.2712C>T, p.Pro904= (NM_001366838.3); c.2553C>T, p.Pro851= (NM_001366839.3).
Identifiers: ClinVar variation 4872481 (VCV004872481.2).

ClinVar aggregate classification (germline): Likely benign (1 of 4 stars; one submission).

gnomAD v4.1: 964 of 1,614,030 alleles (0.06%); highest among the groups gnomAD compares: African/African-American, 1.2%; 6 homozygotes.

Submission:

CeGaT Center for Human Genetics Tuebingen
Classification: Likely benign. Last evaluated: 2026-10-01. Review status: criteria provided, single submitter. Criteria: CeGaT Center For Human Genetics Tuebingen Variant Classification Criteria Version 2. Collection method: clinical testing. Allele origin: germline. Affected: yes. Observed: 2 variant alleles.
Comment: LRRC7: BP4, BP7, BS1